The following is an entry in ClinVar:

ClinVar aggregate classification (germline): Pathogenic/Likely pathogenic. Review status: criteria provided, multiple submitters, no conflicts (2 of 4 stars). 4 submissions from 4 submitters: Pathogenic (1); Likely pathogenic (3). Last evaluated 2025-10-03.

Conditions:
Fumarase deficiency (FMRD). Also called: Fumarate Hydratase Deficiency; Fumaric aciduria. Identifiers: Orphanet 24, MedGen C0342770, MONDO:0011730, OMIM 606812.
Hereditary leiomyomatosis and renal cell cancer. Also called: LEIOMYOMA, MULTIPLE CUTANEOUS; MULTIPLE CUTANEOUS AND UTERINE LEIOMYOMATA 1, WITH OR WITHOUT RENAL CELL CARCINOMA; Reed syndrome; Multiple cutaneous and uterine leiomyomatosis; Cutaneous leiomyomata with uterine leiomyomata; Leiomyoma, hereditary multiple, of skin. Identifiers: Orphanet 523, MedGen C1708350, MONDO:0007888, OMIM 150800, HP:0007437. Disease mechanism: loss of function.
Hereditary cancer-predisposing syndrome. Also called: Tumor predisposition; Neoplastic Syndromes, Hereditary; Hereditary neoplastic syndrome; Hereditary Cancer Syndrome. Identifiers: Orphanet 140162, MedGen C0027672, MeSH D009386, MONDO:0015356.

Submissions (4):

Labcorp Genetics (formerly Invitae), Labcorp
Classification: Likely pathogenic. Last evaluated: 2025-10-03. Review status: criteria provided, single submitter. Criteria: Invitae Variant Classification Sherloc (09022015). Collection method: clinical testing. Allele origin: germline.
Comment: This sequence change replaces asparagine, which is neutral and polar, with isoleucine, which is neutral and non-polar, at codon 188 of the FH protein (p.Asn188Ile). This variant is not present in population databases (gnomAD no frequency). This missense change has been observed in individual(s) with clinical features of hereditary leiomyomatosis and renal cell cancer (PMID: 36915884, 37715637; internal data). ClinVar contains an entry for this variant (Variation ID: 1066054). Invitae Evidence Modeling of protein sequence and biophysical properties (such as structural, functional, and spatial information, amino acid conservation, physicochemical variation, residue mobility, and thermodynamic stability) indicates that this missense variant is expected to disrupt FH protein function with a positive predictive value of 95%. This variant disrupts the p.Asn188 amino acid residue in FH. Other variant(s) that disrupt this residue have been observed in individuals with FH-related conditions (PMID: 12772087, 20056206, 28300276), which suggests that this may be a clinically significant amino acid residue. In summary, the currently available evidence indicates that the variant is pathogenic, but additional data are needed to prove that conclusively. Therefore, this variant has been classified as Likely Pathogenic.

Women's Health and Genetics/Laboratory Corporation of America, LabCorp
Classification: Likely pathogenic for Hereditary leiomyomatosis and renal cell cancer. Last evaluated: 2025-02-03. Review status: criteria provided, single submitter. Criteria: LabCorp Variant Classification Summary - May 2015. Collection method: clinical testing. Allele origin: germline.
Comment: Variant summary: FH c.563A>T (p.Asn188Ile) results in a non-conservative amino acid change in the encoded protein sequence. Five of five in-silico tools predict a damaging effect of the variant on protein function. The variant was absent in 250648 control chromosomes (gnomAD). c.563A>T has been reported in the literature in individuals affected with features of Hereditary Leiomyomatosis And Renal Cell Cancer (e.g. Sun_2021, Feng_2023, Wen_2024, Labcorp Genetics (formerly Invitae)). These data indicate that the variant is likely to be associated with disease. To our knowledge, no experimental evidence demonstrating an impact on protein function has been reported. The following publications have been ascertained in the context of this evaluation (PMID: 36915884, 37715637, 33414138). ClinVar contains an entry for this variant (Variation ID: 1066054). Based on the evidence outlined above, the variant was classified as likely pathogenic.

Ambry Genetics
Classification: Pathogenic for Hereditary cancer-predisposing syndrome. Last evaluated: 2024-04-18. Review status: criteria provided, single submitter. Criteria: Ambry Variant Classification Scheme 2023. Collection method: clinical testing. Allele origin: germline.
Comment: The p.N188I pathogenic mutation (also known as c.563A>T), located in coding exon 5 of the FH gene, results from an A to T substitution at nucleotide position 563. The asparagine at codon 188 is replaced by isoleucine, an amino acid with dissimilar properties. This alteration has been reported in multiple probands with papillary renal cell carcinoma that was FH-negative and 2SC-positive on immunohistochemistry staining (Feng H et al. Transl Androl Urol, 2023 Feb;12:308-319; Wen H et al. Int J Surg Pathol, 2023 Sep;:10668969231195072; Zheng L et al. Mod Pathol, 2023 Nov;36:100303). Based on internal structural analysis, this alteration disrupts a substrate binding interaction and is expected to be deleterious (Weaver T et al. Protein Sci, 1997 Apr;6:834-42). This amino acid position is highly conserved in available vertebrate species. In addition, this alteration is predicted to be deleterious by in silico analysis. This variant is considered to be rare based on population cohorts in the Genome Aggregation Database (gnomAD). Based on the supporting evidence, this variant is interpreted as a disease-causing mutation.

Juno Genomics, Hangzhou Juno Genomics, Inc
Classification: Likely pathogenic for Fumarase deficiency; Hereditary leiomyomatosis and renal cell cancer. Review status: criteria provided, single submitter. Criteria: ACMG Guidelines, 2015. Collection method: clinical testing. Allele origin: germline. Affected: yes.
Comment: Absent from controls (or at extremely low frequency if recessive) in Genome Aggregation Database, Exome Sequencing Project, 1000 Genomes Project, or Exome Aggregation Consortium.;Multiple lines of computational evidence support a deleterious effect on the gene or gene product (conservation, evolutionary, splicing impact, etc).;The prevalence of the variant in affected individuals is significantly increased compared to the prevalence in controls.

Literature cited by the submitters: PubMed 36915884 (cited by 3 submitters); PubMed 37715637 (cited by 3 submitters); PubMed 12772087 (cited by Labcorp Genetics (formerly Invitae), Labcorp); PubMed 20056206 (cited by Labcorp Genetics (formerly Invitae), Labcorp); PubMed 28300276 (cited by Labcorp Genetics (formerly Invitae), Labcorp); PubMed 33414138 (cited by Women's Health and Genetics/Laboratory Corporation of America, LabCorp); PubMed 37580017 (cited by Ambry Genetics); PubMed 9098893 (cited by Ambry Genetics).

NM_000143.4(FH):c.563A>T (p.Asn188Ile)

Gene: FH (fumarate hydratase; minus strand). Cytogenetic location: 1q43.
Variant type: single nucleotide variant.
Coding change: c.563A>T on transcript NM_000143.4 (MANE Select); coding-DNA position 563, A replaced by T.
Protein change: p.Asn188Ile; replaces asparagine 188 with isoleucine.
Molecular consequence: missense variant.
Genome position (GRCh38, 1-based): chr1:241,508,778, T>A on the plus strand (A>T on the coding strand, the complement: FH is on the minus strand). VCF-style: chr1-241508778-T-A. GRCh37 (hg19) VCF-style: chr1-241672078-T-A.
Other names: c.563A>T (NM_000143.3); short protein forms N188I.
Identifiers: ClinVar variation 1066054 (VCV001066054.12), dbSNP rs2147919711, ClinGen allele CA345439496.